The following is an entry in ClinVar:

ClinVar aggregate classification (germline): Pathogenic/Likely pathogenic. Review status: criteria provided, multiple submitters, no conflicts (2 of 4 stars). 2 submissions from 2 submitters: Pathogenic (1); Likely pathogenic (1). Last evaluated 2026-01-18.

Conditions:
Marfan syndrome (MFS). Also called: MARFAN SYNDROME, TYPE I; Marfan syndrome type 1; Marfan's syndrome; Marfan syndrome, classic; FBN1-Related Marfan Syndrome. Identifiers: Orphanet 284963, Orphanet 558, MedGen C0024796, MONDO:0007947, OMIM 154700.
Familial thoracic aortic aneurysm and aortic dissection (TAAD). Also called: Thoracic aortic aneurysms and dissections. Identifiers: Orphanet 91387, MedGen C4707243, MONDO:0019625.

Submissions (2):

Labcorp Genetics (formerly Invitae), Labcorp
Classification: Pathogenic for Marfan syndrome; Familial thoracic aortic aneurysm and aortic dissection. Last evaluated: 2026-01-18. Review status: criteria provided, single submitter. Criteria: Invitae Variant Classification Sherloc (09022015). Collection method: clinical testing. Allele origin: germline.
Comment: This sequence change affects an acceptor splice site in intron 44 of the FBN1 gene. It is expected to disrupt RNA splicing. Variants that disrupt the donor or acceptor splice site typically lead to a loss of protein function (PMID: 16199547), and loss-of-function variants in FBN1 are known to be pathogenic (PMID: 17657824, 19293843). This variant is not present in population databases (gnomAD no frequency). Disruption of this splice site has been observed in individuals with Marfan syndrome (PMID: 12203987, 17657824). ClinVar contains an entry for this variant (Variation ID: 2951112). Algorithms developed to predict the effect of sequence changes on RNA splicing suggest that this variant may disrupt the consensus splice site. For these reasons, this variant has been classified as Pathogenic.

All of Us Research Program, National Institutes of Health
Classification: Likely pathogenic for Marfan syndrome. Last evaluated: 2024-06-09. Review status: criteria provided, single submitter. Criteria: ACMG Guidelines, 2015. Collection method: clinical testing. Allele origin: germline. Inheritance: Autosomal dominant inheritance. Observed: 1 variant allele, 1 heterozygote.
Comment: This variant causes a G>C nucleotide substitution at the -1 position of intron 44 of the FBN1 gene. Splice site prediction tools suggest that this variant may have a significant impact on RNA splicing. Although this prediction has not been confirmed in published RNA studies, this variant is expected to result in an absent or disrupted protein product. This variant has not been reported in individuals affected with FBN1-related disorders in the literature. This variant has not been identified in the general population by the Genome Aggregation Database (gnomAD). Loss of FBN1 function is a known mechanism of disease. Based on the available evidence, this variant is classified as Likely Pathogenic.

This study involves interpretation of variants in research participants for the purpose of population health screening. Participant phenotype was not available at the time of variant classification. Additional details can be found in publication PMID: 35346344, PMCID: PMC8962531

Literature cited by the submitters: PubMed 16199547 (cited by Labcorp Genetics (formerly Invitae), Labcorp); PubMed 17657824 (cited by Labcorp Genetics (formerly Invitae), Labcorp); PubMed 19293843 (cited by Labcorp Genetics (formerly Invitae), Labcorp); PubMed 12203987 (cited by Labcorp Genetics (formerly Invitae), Labcorp).

NM_000138.5(FBN1):c.5423-1G>C

Gene: FBN1 (fibrillin 1; minus strand). Cytogenetic location: 15q21.1.
Variant type: single nucleotide variant.
Coding change: c.5423-1G>C on transcript NM_000138.5 (MANE Select); the canonical splice acceptor site of the intron before coding-DNA position 5423, G replaced by C.
Molecular consequence: splice acceptor variant.
Genome position (GRCh38, 1-based): chr15:48,452,685, C>G on the plus strand (G>C on the coding strand, the complement: FBN1 is on the minus strand). VCF-style: chr15-48452685-C-G. GRCh37 (hg19) VCF-style: chr15-48744882-C-G.
Other names: c.5423-1G>C (NM_001406716.1).
Identifiers: ClinVar variation 2951112 (VCV002951112.4), dbSNP rs2505470997, ClinGen allele CA392344501.